The following is an entry in ClinVar:

NM_003579.4(RAD54L):c.2040C>G (p.His680Gln)

Genes: LRRC41 (leucine rich repeat containing 41; minus strand), RAD54L (RAD54 like; plus strand). Cytogenetic location: 1p34.1.
Variant type: single nucleotide variant.
Coding change: c.2040C>G on transcript NM_003579.4 (MANE Select); coding-DNA position 2040, C replaced by G.
Protein change: p.His680Gln; replaces histidine 680 with glutamine.
Molecular consequence: missense variant. On other transcripts: 3 prime UTR variant (1).
Genome position (GRCh38, 1-based): chr1:46,278,078, C>G. VCF-style: chr1-46278078-C-G. GRCh37 (hg19) VCF-style: chr1-46743750-C-G.
Other names: c.*787G>C (NM_006369.5); c.2040C>G, p.His680Gln (NM_001142548.2); c.1500C>G, p.His500Gln (NM_001370766.1); short protein forms H680Q, H500Q.
Identifiers: ClinVar variation 3312459 (VCV003312459.1).

ClinVar aggregate classification (germline): Uncertain significance (1 of 4 stars; one submission).

gnomAD v4.1: 3 of 1,614,162 alleles (0.00019%); highest among the groups gnomAD compares: Non-Finnish European, 0.00025%; no homozygotes.

Submission:

Ambry Genetics
Classification: Uncertain significance. Last evaluated: 2024-04-19. Review status: criteria provided, single submitter. Criteria: Ambry Variant Classification Scheme 2023. Collection method: clinical testing. Allele origin: germline.
Comment: The p.H680Q variant (also known as c.2040C>G), located in coding exon 18 of the RAD54L gene, results from a C to G substitution at nucleotide position 2040. The histidine at codon 680 is replaced by glutamine, an amino acid with highly similar properties. This amino acid position is conserved. In addition, this alteration is predicted to be tolerated by in silico analysis. Based on the available evidence, the clinical significance of this variant remains unclear.